The following is an entry in ClinVar:

ClinVar aggregate classification (germline): Likely benign (1 of 4 stars; one submission).

Allele frequency attached by ClinVar (database versions not stated): ExAC 0.00013; gnomAD 0.00013; TOPMed 0.00014; 1000 Genomes Project 30x 0.00031; 1000 Genomes Project 0.00040.
gnomAD v4.1: 83 of 1,614,136 alleles (0.0051%); highest among the groups gnomAD compares: East Asian, 0.17%; no homozygotes.

Submission:

GeneDx
Classification: Likely benign. Last evaluated: 2018-04-05. Review status: criteria provided, single submitter. Criteria: GeneDx Variant Classification (06012015). Collection method: clinical testing. Allele origin: germline. Affected: yes.
Comment: This variant is considered likely benign or benign based on one or more of the following criteria: it is a conservative change, it occurs at a poorly conserved position in the protein, it is predicted to be benign by multiple in silico algorithms, and/or has population frequency not consistent with disease.

NM_001085372.3(UQCC3):c.87C>T (p.Thr29=)

Genes: LBHD1 (LBH domain containing 1; minus strand), UQCC3 (ubiquinol-cytochrome c reductase complex assembly factor 3; plus strand). Cytogenetic location: 11q12.3.
Variant type: single nucleotide variant.
Coding change: c.87C>T on transcript NM_001085372.3 (MANE Select); coding-DNA position 87, C replaced by T.
Protein change: p.Thr29=; no amino-acid change (threonine 29 retained).
Molecular consequence: synonymous variant.
Genome position (GRCh38, 1-based): chr11:62,671,832, C>T. VCF-style: chr11-62671832-C-T. GRCh37 (hg19) VCF-style: chr11-62439304-C-T.
Identifiers: ClinVar variation 680931 (VCV000680931.1), dbSNP rs544265254, ClinGen allele CA6052544.